The following is an entry in ClinVar:

ClinVar aggregate classification (germline): Benign. Review status: criteria provided, multiple submitters, no conflicts (2 of 4 stars). 2 submissions from 2 submitters: Benign (2). Last evaluated 2022-07-01.

Allele frequency attached by ClinVar (database versions not stated): gnomAD 0.00092; 1000 Genomes Project 0.00120; 1000 Genomes Project 30x 0.00125; TOPMed 0.00171; gnomAD exomes 0.00233; ESP Exome Variant Server 0.00239.
gnomAD v4.1: 3,653 of 1,612,880 alleles (0.23%); highest among the groups gnomAD compares: Non-Finnish European, 0.28%; 5 homozygotes.

Submissions (5):

CeGaT Center for Human Genetics Tuebingen
Classification: Benign. Last evaluated: 2022-07-01. Review status: criteria provided, single submitter. Criteria: CeGaT Center For Human Genetics Tuebingen Variant Classification Criteria Version 2. Collection method: clinical testing. Allele origin: germline. Affected: yes. Observed: 1 variant allele.
Comment: JPH3: BS1, BS2

Labcorp Genetics (formerly Invitae), Labcorp
Classification: Benign. Last evaluated: 2019-12-31. Review status: criteria provided, single submitter. Criteria: Invitae Variant Classification Sherloc (09022015). Collection method: clinical testing. Allele origin: germline.

Dr. Peter K. Rogan Lab, Western University
No classification provided (evidence only). Condition: Melanoma. Review status: no classification provided. Collection method: in vitro. Allele origin: not applicable. Functional consequence: retained intron. Not counted in ClinVar's aggregate classification.

Dr. Peter K. Rogan Lab, Western University
No classification provided (evidence only). Condition: Acute myeloid leukemia. Review status: no classification provided. Collection method: in vitro. Allele origin: not applicable. Functional consequence: retained intron. Not counted in ClinVar's aggregate classification.

Dr. Peter K. Rogan Lab, Western University
No classification provided (evidence only). Condition: Adrenocortical carcinoma, hereditary. Review status: no classification provided. Collection method: in vitro. Allele origin: not applicable. Functional consequence: retained intron. Not counted in ClinVar's aggregate classification.

NM_020655.4(JPH3):c.507C>T (p.Ser169=)

Gene: JPH3 (junctophilin 3; plus strand). Cytogenetic location: 16q24.2.
Variant type: single nucleotide variant.
Coding change: c.507C>T on transcript NM_020655.4 (MANE Select); coding-DNA position 507, C replaced by T.
Protein change: p.Ser169=; no amino-acid change (serine 169 retained).
Molecular consequence: synonymous variant. On other transcripts: non-coding transcript variant (1).
Genome position (GRCh38, 1-based): chr16:87,644,382, C>T. VCF-style: chr16-87644382-C-T. GRCh37 (hg19) VCF-style: chr16-87677988-C-T.
Other names: NC_000016.9:g.87677988C>T.
Identifiers: ClinVar variation 733127 (VCV000733127.29), dbSNP rs35224773, ClinGen allele CA8220725.